The following is an entry in ClinVar:

ClinVar aggregate classification (germline): Pathogenic (1 of 4 stars; one submission).

Submission:

Labcorp Genetics (formerly Invitae), Labcorp
Classification: Pathogenic. Last evaluated: 2022-03-19. Review status: criteria provided, single submitter. Criteria: Invitae Variant Classification Sherloc (09022015). Collection method: clinical testing. Allele origin: germline.
Comment: This variant is not present in population databases (gnomAD no frequency). This sequence change creates a premature translational stop signal (p.Leu894Phefs*30) in the C3 gene. It is expected to result in an absent or disrupted protein product. Loss-of-function variants in C3 are known to be pathogenic (PMID: 12462331, 14639503, 21501302). This variant has not been reported in the literature in individuals affected with C3-related conditions. For these reasons, this variant has been classified as Pathogenic.

Literature cited by the submitters: PubMed 12462331; PubMed 14639503; PubMed 21501302.

NM_000064.4(C3):c.2681dup (p.Leu894fs)

Gene: C3 (complement C3; minus strand). Cytogenetic location: 19p13.3.
Variant type: Duplication.
Coding change: c.2681dup on transcript NM_000064.4 (MANE Select); coding-DNA position 2681, one base duplicated (T; older notation c.2681dupT).
Protein change: p.Leu894fs; shifts the reading frame from leucine 894.
Molecular consequence: frameshift variant.
Genome position (GRCh38, 1-based): chr19:6,697,459, A duplicated on the plus strand (T on the coding strand, the reverse complement: C3 is on the minus strand); the first of 2 consecutive A bases (chr19:6,697,459-6,697,460); duplicating either gives the same sequence. VCF-style (leftmost placement, unchanged base first): chr19-6697458-C-CA. GRCh37 (hg19) VCF-style: chr19-6697469-C-CA.
Other names: short protein forms L894fs.
Identifiers: ClinVar variation 2108410 (VCV002108410.4), dbSNP rs2512247702, ClinGen allele CA2576661559.